The following is an entry in ClinVar:

ClinVar aggregate classification (germline): Likely benign (1 of 4 stars; one submission).

Allele frequency attached by ClinVar (database versions not stated): gnomAD exomes 0.00002; ExAC 0.00005; gnomAD 0.00029; TOPMed 0.00036; ESP Exome Variant Server 0.00044.

Submission:

CeGaT Center for Human Genetics Tuebingen
Classification: Likely benign. Last evaluated: 2023-05-01. Review status: criteria provided, single submitter. Criteria: CeGaT Center For Human Genetics Tuebingen Variant Classification Criteria Version 2. Collection method: clinical testing. Allele origin: germline. Affected: yes. Observed: 1 variant allele.
Comment: WDR81: BP4, BP7

NM_001163809.2(WDR81):c.681G>A (p.Ser227=)

Gene: WDR81 (WD repeat domain 81; plus strand). Cytogenetic location: 17p13.3.
Variant type: single nucleotide variant.
Coding change: c.681G>A on transcript NM_001163809.2 (MANE Select); coding-DNA position 681, G replaced by A.
Protein change: p.Ser227=; no amino-acid change (serine 227 retained).
Molecular consequence: synonymous variant. On other transcripts: intron variant (3).
Genome position (GRCh38, 1-based): chr17:1,725,640, G>A. VCF-style: chr17-1725640-G-A. GRCh37 (hg19) VCF-style: chr17-1628934-G-A.
Other names: c.-123-2350G>A (NM_152348.4); c.59-4740G>A (NM_001163673.2); c.-15+854G>A (NM_001163811.2).
Identifiers: ClinVar variation 2647191 (VCV002647191.24), dbSNP rs377273418, ClinGen allele CA8272995.